The following is an entry in ClinVar:

NM_000516.7(GNAS):c.432+1G>T

Gene: GNAS (GNAS complex locus; plus strand). Cytogenetic location: 20q13.32.
Variant type: single nucleotide variant.
Coding change: c.432+1G>T on transcript NM_000516.7 (MANE Select); the canonical splice donor site of the intron after coding-DNA position 432, G replaced by T.
Molecular consequence: splice donor variant.
Genome position (GRCh38, 1-based): chr20:58,903,792, G>T. VCF-style: chr20-58903792-G-T. GRCh37 (hg19) VCF-style: chr20-57478847-G-T.
Other names: c.*338+1G>T (NM_016592.5); c.336+1G>T (NM_001410912.1); c.255+1G>T (NM_001309861.2, NM_001309840.2); c.*293+1G>T (NM_001077490.3); c.2361+1G>T (NM_080425.4); c.2316+1G>T (NM_001410913.1); c.435+1G>T (NM_001077488.5); c.390+1G>T (NM_080426.4); and 1 more.
Identifiers: ClinVar variation 1028314 (VCV001028314.1), dbSNP rs1555889131, ClinGen allele CA409450724.
Genomic context (GRCh38, chr20:58,903,792, plus strand): 5'-CAGTTCAGAGTGGACTACATCCTGAGTGTGATGAACGTGCCTGACTTTGACTTCCCTCCC[G>T]TAAGCTACACCCCGACTTGTGTGGCCTTAGCCCCGCCCACCTGAGCACAGTGTCCATATA-3'

ClinVar aggregate classification (germline): Pathogenic (1 of 4 stars; one submission).

Conditions:
McCune-Albright syndrome (MAS). Also called: ALBRIGHT SYNDROME; Albright's disease; Albright's Syndrome; McCune-Albright syndrome, somatic, mosaic; Fibrous Dysplasia / McCune-Albright Syndrome. Identifiers: Orphanet 562, MedGen C0242292, MONDO:0018919, OMIM 174800.

Submission:

Baylor Genetics
Classification: Pathogenic for McCune-Albright syndrome. Last evaluated: 2019-04-20. Review status: criteria provided, single submitter. Criteria: ACMG Guidelines, 2015. Collection method: clinical testing. Allele origin: maternal. Affected: yes.
Comment: This variant was determined to be pathogenic according to ACMG Guidelines, 2015 [PMID:25741868].